The following is an entry in ClinVar:

NM_004408.4(DNM1):c.131A>G (p.Lys44Arg)

Genes: CIZ1 (CDKN1A interacting zinc finger protein 1; minus strand), DNM1 (dynamin 1; plus strand). Cytogenetic location: 9q34.11.
Variant type: single nucleotide variant.
Coding change: c.131A>G on transcript NM_004408.4 (MANE Select); coding-DNA position 131, A replaced by G.
Protein change: p.Lys44Arg; replaces lysine 44 with arginine.
Molecular consequence: missense variant. On other transcripts: intron variant (2).
Genome position (GRCh38, 1-based): chr9:128,203,601, A>G. VCF-style: chr9-128203601-A-G. GRCh37 (hg19) VCF-style: chr9-130965880-A-G.
Other names: c.131A>G, p.Lys44Arg (NM_001005336.3, NM_001288737.2, NM_001288738.2 and 2 more transcripts); c.-6+585T>C (NM_001131015.2, NM_012127.3); short protein forms K44R.
Identifiers: ClinVar variation 4845385 (VCV004845385.1).

ClinVar aggregate classification (germline): Likely pathogenic (1 of 4 stars; one submission).

Conditions:
Developmental and epileptic encephalopathy, 31A. Also called: Epileptic encephalopathy, early infantile, 31; Developmental and epileptic encephalopathy, 31. Identifiers: Orphanet 2382, MedGen C4225357, MONDO:0014598, OMIM 616346.

Submission:

Institute of Human Genetics, University of Leipzig Medical Center
Classification: Likely pathogenic for Developmental and epileptic encephalopathy, 31A. Last evaluated: 2026-03-17. Review status: criteria provided, single submitter. Criteria: ACMG Guidelines, 2015. Collection method: clinical testing. Allele origin: unknown. Affected: yes.
Comment: Criteria applied: PM1,PM2,PM5_SUP,PP2,PP3